The following is an entry in ClinVar:

ClinVar aggregate classification (germline): Likely pathogenic. Review status: reviewed by expert panel (3 of 4 stars). 2 submissions from 2 submitters: Likely pathogenic (1). 1 of the submissions does not count toward it. Last evaluated 2025-06-11.

Conditions:
Familial cancer of breast. Also called: BREAST CANCER, FAMILIAL; Hereditary breast cancer; hereditary breast carcinoma. Identifiers: Orphanet 227535, MedGen C0346153, MONDO:0016419, OMIM 114480. Disease mechanism: loss of function.
ATM-related cancer predisposition. Also called: ATM-related cancer susceptibility. Identifiers: MedGen CN377759, MONDO:0700270.

Submissions (2):

ClinGen Hereditary Breast, Ovarian and Pancreatic Cancer Variant Curation Expert Panel, ClinGen
Classification: Likely pathogenic for ATM-related cancer predisposition. Last evaluated: 2025-06-11. Review status: reviewed by expert panel. Criteria: ClinGen HBOP ACMG Specifications ATM V1.3.0. Collection method: curation. Allele origin: germline. Inheritance: Autosomal dominant inheritance.
Comment: The c.3284G>C (p.Arg1095Thr) variant in ATM is a missense variant occurring in last base pair of exon 21. It is predicted to cause skipping of biologically-relevant-exon, resulting in a frameshift leading to nonsense mediated decay in a gene in which loss-of-function is an established disease mechanism variant. This variant has been detected in at least one individual with Ataxia-Telangiectasia (PMIDs: 10980530, 37787810). This variant is absent from gnomAD v4.1.0. In summary, this variant meets the criteria to be classified as likely pathogenic for autosomal dominant ATM-related cancer predisposition and autosomal recessive Ataxia-Telangiectasia based on the ACMG/AMP criteria applied as specified by the HBOP VCEP. (PVS1_Strong, PM3, PM2_Supporting)

Myriad Genetics, Inc.
Classification: Likely pathogenic for Familial cancer of breast. Last evaluated: 2025-08-27. Review status: criteria provided, single submitter. Criteria: Myriad Autosomal Dominant, Autosomal Recessive and X-Linked Classification Criteria (2023). Collection method: clinical testing. Allele origin: unknown. Not counted in ClinVar's aggregate classification.
Comment: This variant is considered likely pathogenic. mRNA analysis has demonstrated abnormal mRNA splicing occurs [Myriad internal data]. This variant has been reported in an individual with clinical features of gene-specific disease [PMID: 10980530].

Literature cited by the submitters: PubMed 10980530 (cited by Myriad Genetics, Inc.).

NM_000051.4(ATM):c.3284G>C (p.Arg1095Thr)

Gene: ATM (ATM serine/threonine kinase; plus strand). Cytogenetic location: 11q22.3.
Variant type: single nucleotide variant.
Coding change: c.3284G>C on transcript NM_000051.4 (MANE Select); coding-DNA position 3284, G replaced by C.
Protein change: p.Arg1095Thr; replaces arginine 1095 with threonine.
Molecular consequence: missense variant.
Genome position (GRCh38, 1-based): chr11:108,272,852, G>C. VCF-style: chr11-108272852-G-C. GRCh37 (hg19) VCF-style: chr11-108143579-G-C.
Other names: NM_000051.4:c.3284G>C; c.3284G>C, p.Arg1095Thr (NM_001351834.2); short protein forms R1095T.
Identifiers: ClinVar variation 4056348 (VCV004056348.2).